The following is an entry in ClinVar:

NM_022455.5(NSD1):c.4216del (p.Arg1406fs)

Gene: NSD1 (nuclear receptor binding SET domain protein 1; plus strand). Cytogenetic location: 5q35.3.
Variant type: Deletion.
Coding change: c.4216del on transcript NM_022455.5 (MANE Select); coding-DNA position 4216, one base deleted (A; older notation c.4216delA).
Protein change: p.Arg1406fs; shifts the reading frame from arginine 1406.
Molecular consequence: frameshift variant.
Genome position (GRCh38, 1-based): chr5:177,239,779, A deleted; the last of 3 consecutive A bases (chr5:177,239,777-177,239,779); deleting any one gives the same sequence. VCF-style (leftmost placement, unchanged base first): chr5-177239776-CA-C. GRCh37 (hg19) VCF-style: chr5-176666777-CA-C.
Other names: c.3343delA, p.Arg1115Glufs (NM_001365684.2, NM_001409306.1, NM_001409307.1 and 3 more transcripts); c.4216delA, p.Arg1406Glufs (NM_001409301.1, NM_001409302.1, NM_001409303.1 and 1 more transcripts); c.3796delA, p.Arg1266Glufs (NM_001409304.1); c.3463delA, p.Arg1155Glufs (NM_001409305.1); short protein forms R1137fs, R1406fs.
Identifiers: ClinVar variation 859995 (VCV000859995.8), dbSNP rs1765712615, ClinGen allele CA916081474.

ClinVar aggregate classification (germline): Pathogenic (1 of 4 stars; one submission).

Submission:

Labcorp Genetics (formerly Invitae), Labcorp
Classification: Pathogenic. Last evaluated: 2019-11-27. Review status: criteria provided, single submitter. Criteria: Invitae Variant Classification Sherloc (09022015). Collection method: clinical testing. Allele origin: germline.
Comment: This sequence change creates a premature translational stop signal (p.Arg1406Glufs*13) in the NSD1 gene. It is expected to result in an absent or disrupted protein product. This variant is not present in population databases (ExAC no frequency). This variant has not been reported in the literature in individuals with NSD1-related conditions. Loss-of-function variants in NSD1 are known to be pathogenic (PMID: 12464997, 14571271, 15942875, 16247291). For these reasons, this variant has been classified as Pathogenic.

Literature cited by the submitters: PubMed 12464997; PubMed 14571271; PubMed 15942875; PubMed 16247291.